The following is an entry in ClinVar:

NM_015021.3(ZNF292):c.1206G>A (p.Ala402=)

Gene: ZNF292 (zinc finger protein 292; plus strand). Cytogenetic location: 6q14.3.
Variant type: single nucleotide variant.
Coding change: c.1206G>A on transcript NM_015021.3 (MANE Select); coding-DNA position 1206, G replaced by A.
Protein change: p.Ala402=; no amino-acid change (alanine 402 retained).
Molecular consequence: synonymous variant.
Genome position (GRCh38, 1-based): chr6:87,254,835, G>A. VCF-style: chr6-87254835-G-A. GRCh37 (hg19) VCF-style: chr6-87964553-G-A.
Other names: c.786G>A, p.Ala262= (NM_001351444.2).
Identifiers: ClinVar variation 3024961 (VCV003024961.23), dbSNP rs116277830, ClinGen allele CA3913820.

ClinVar aggregate classification (germline): Likely benign. Review status: criteria provided, multiple submitters, no conflicts (2 of 4 stars). 2 submissions from 2 submitters: Likely benign (2). Last evaluated 2025-09-01.

Allele frequency attached by ClinVar (database versions not stated): ExAC 0.00108; gnomAD 0.00373; TOPMed 0.00393; ESP Exome Variant Server 0.00416; 1000 Genomes Project 0.00579; 1000 Genomes Project 30x 0.00593.
gnomAD v4.1: 1,105 of 1,613,808 alleles (0.068%); highest among the groups gnomAD compares: African/African-American, 1.2%; 3 homozygotes.

Submissions (2):

CeGaT Center for Human Genetics Tuebingen
Classification: Likely benign. Last evaluated: 2025-09-01. Review status: criteria provided, single submitter. Criteria: CeGaT Center For Human Genetics Tuebingen Variant Classification Criteria Version 2. Collection method: clinical testing. Allele origin: germline. Affected: yes. Observed: 3 variant alleles.
Comment: ZNF292: BP4, BP7, BS1

Blueprint Genetics
Classification: Likely benign. Last evaluated: 2024-11-12. Review status: criteria provided, single submitter. Criteria: ACMG Guidelines, 2015. Collection method: clinical testing. Allele origin: germline.